The following is an entry in ClinVar:

NM_005477.3(HCN4):c.418G>A (p.Gly140Ser)

Gene: HCN4 (hyperpolarization activated cyclic nucleotide gated potassium channel 4; minus strand). Cytogenetic location: 15q24.1.
Variant type: single nucleotide variant.
Coding change: c.418G>A on transcript NM_005477.3 (MANE Select); coding-DNA position 418, G replaced by A.
Protein change: p.Gly140Ser; replaces glycine 140 with serine.
Molecular consequence: missense variant.
Genome position (GRCh38, 1-based): chr15:73,367,853, C>T on the plus strand (G>A on the coding strand, the complement: HCN4 is on the minus strand). VCF-style: chr15-73367853-C-T. GRCh37 (hg19) VCF-style: chr15-73660194-C-T.
Other names: p.G140S:GGC>AGC; short protein forms G140S.
Identifiers: ClinVar variation 190786 (VCV000190786.19), dbSNP rs773857091, ClinGen allele CA301969.

ClinVar aggregate classification (germline): Conflicting classifications of pathogenicity. Review status: criteria provided, conflicting classifications (1 of 4 stars). 6 submissions from 6 submitters: Uncertain significance (4); Likely benign (2). Last evaluated 2026-01-27.

Conditions:
Cardiovascular phenotype. Identifiers: MedGen CN230736.
Brugada syndrome 8 (BRGDA8). Identifiers: Orphanet 130, MedGen C2751083, MONDO:0013148, OMIM 613123.
Sick sinus syndrome 2, autosomal dominant (SSS2). Also called: SICK SINUS SYNDROME 2; SICK SINUS SYNDROME 2 WITH OR WITHOUT CARDIAC NONCOMPACTION AND/OR ASCENDING AORTA DILATION; ATRIAL FIBRILLATION WITH BRADYARRHYTHMIA; SINUS BRADYCARDIA SYNDROME, FAMILIAL, AUTOSOMAL DOMINANT; SINUS NODE DISEASE, FAMILIAL, AUTOSOMAL DOMINANT. Identifiers: Orphanet 166282, MedGen C1834144, MONDO:0008102, OMIM 163800.

Allele frequency attached by ClinVar (database versions not stated): gnomAD exomes 0.00007 and 0.00019; gnomAD 0.00009; TOPMed 0.00009; ExAC 0.00067.

Submissions (6):

Labcorp Genetics (formerly Invitae), Labcorp
Classification: Uncertain significance for Brugada syndrome 8. Last evaluated: 2026-01-27. Review status: criteria provided, single submitter. Criteria: Invitae Variant Classification Sherloc (09022015). Collection method: clinical testing. Allele origin: germline.
Comment: This sequence change replaces glycine, which is neutral and non-polar, with serine, which is neutral and polar, at codon 140 of the HCN4 protein (p.Gly140Ser). This variant is present in population databases (rs773857091, gnomAD 0.02%). This variant has not been reported in the literature in individuals affected with HCN4-related conditions. ClinVar contains an entry for this variant (Variation ID: 190786). Invitae Evidence Modeling of protein sequence and biophysical properties (such as structural, functional, and spatial information, amino acid conservation, physicochemical variation, residue mobility, and thermodynamic stability) indicates that this missense variant is not expected to disrupt HCN4 protein function with a negative predictive value of 95%. In summary, the available evidence is currently insufficient to determine the role of this variant in disease. Therefore, it has been classified as a Variant of Uncertain Significance.

Ambry Genetics
Classification: Likely benign for Cardiovascular phenotype. Last evaluated: 2025-09-11. Review status: criteria provided, single submitter. Criteria: Ambry Variant Classification Scheme 2023. Collection method: clinical testing. Allele origin: germline.

Blueprint Genetics
Classification: Likely benign. Last evaluated: 2024-06-25. Review status: criteria provided, single submitter. Criteria: ACMG Guidelines, 2015. Collection method: clinical testing. Allele origin: germline.

GeneDx
Classification: Uncertain significance. Last evaluated: 2019-12-13. Review status: criteria provided, single submitter. Criteria: GeneDx Variant Classification Process June 2021. Collection method: clinical testing. Allele origin: germline. Affected: yes.
Comment: In silico analysis, which includes protein predictors and evolutionary conservation, supports that this variant does not alter protein structure/function; Has not been previously published as pathogenic or benign to our knowledge

Fulgent Genetics
Classification: Uncertain significance for Sick sinus syndrome 2, autosomal dominant; Brugada syndrome 8. Last evaluated: 2018-10-31. Review status: criteria provided, single submitter. Criteria: ACMG Guidelines, 2015. Collection method: clinical testing. Allele origin: unknown.

Molecular Diagnostic Laboratory for Inherited Cardiovascular Disease, Montreal Heart Institute
Classification: Uncertain significance. Review status: criteria provided, single submitter. Criteria: ACMG Guidelines, 2015. Collection method: clinical testing. Allele origin: germline. Affected: yes.